The following is an entry in ClinVar:

ClinVar aggregate classification (germline): other (0 of 4 stars; one submission).

Conditions:
Familial colorectal cancer. Identifiers: MedGen CN280943, MONDO:0023113. Disease mechanism: loss of function.

Submission:

Systems Biology Platform Zhejiang California International NanoSystems Institute
Classification: other for Familial colorectal cancer. Review status: no assertion criteria provided. Collection method: not provided. Allele origin: unknown.
ClinVar note: Converted during submission from cancer to other.

NM_000038.6(APC):c.646-1465A>T

Gene: APC (APC regulator of WNT signaling pathway; plus strand). Cytogenetic location: 5q22.2.
Variant type: single nucleotide variant.
Coding change: c.646-1465A>T on transcript NM_000038.6 (MANE Select); 1465 bases into the intron before coding-DNA position 646, A replaced by T.
Molecular consequence: intron variant.
Genome position (GRCh38, 1-based): chr5:112,790,981, A>T. VCF-style: chr5-112790981-A-T. GRCh37 (hg19) VCF-style: chr5-112126678-A-T.
Other names: c.646-1465A>T (NM_001354895.2, NM_001127510.3, NM_001354896.2 and 1 more transcripts); c.676-1465A>T (NM_001354897.2, NM_001354902.2); c.675+10078A>T (NM_001127511.3); c.571-1465A>T (NM_001354898.2, NM_001354904.2); c.-390-1465A>T (NM_001354906.2); c.645+10078A>T (NM_001354899.2); c.469-1465A>T (NM_001354900.2, NM_001354901.2, NM_001354905.2).
Identifiers: ClinVar variation 82997 (VCV000082997.2), dbSNP rs75265239, ClinGen allele CA011659.
Genomic context (GRCh38, chr5:112,790,981, plus strand): 5'-TGAAACAGTTTACTTTTATAATATAATTTTTGATTTCTCAATATTAGGATGTCAATAACT[A>T]TAGAATTATTACAGAAAATGGTACAACATTGTCAGTACTTGTTTTTAAAACATATGTGTT-3'